The following is an entry in ClinVar:

NM_001846.4(COL4A2):c.1395del (p.Gly466fs)

Genes: COL4A2 (collagen type IV alpha 2 chain; plus strand), COL4A2-AS2 (COL4A2 antisense RNA 2; minus strand). Cytogenetic location: 13q34.
Variant type: Deletion.
Coding change: c.1395del on transcript NM_001846.4 (MANE Select); coding-DNA position 1395, one base deleted (C; older notation c.1395delC).
Protein change: p.Gly466fs; shifts the reading frame from glycine 466.
Molecular consequence: frameshift variant.
Genome position (GRCh38, 1-based): chr13:110,457,398, C deleted; the last of 3 consecutive C bases (chr13:110,457,396-110,457,398); deleting any one gives the same sequence. VCF-style (leftmost placement, unchanged base first): chr13-110457395-TC-T. GRCh37 (hg19) VCF-style: chr13-111109742-TC-T.
Other names: c.1395del (NM_001846.2); short protein forms G466fs.
Identifiers: ClinVar variation 2428990 (VCV002428990.5), dbSNP rs747549182, ClinGen allele CA7049506.

ClinVar aggregate classification (germline): Conflicting classifications of pathogenicity. Review status: criteria provided, conflicting classifications (1 of 4 stars). 3 submissions from 3 submitters: Likely pathogenic (2); Uncertain significance (1). Last evaluated 2025-12-11.

Conditions:
Brain small vessel disease 2A, autosomal dominant. Also called: Porencephaly 2. Identifiers: Orphanet 2940, Orphanet 99810, MedGen C3280970, MONDO:0013773, OMIM 614483.

Submissions (3):

MVZ Medizinische Genetik Mainz
Classification: Likely pathogenic for Brain small vessel disease 2A, autosomal dominant. Last evaluated: 2025-12-11. Review status: criteria provided, single submitter. Criteria: UK Practice Guidelines For Variant Classification V4 01 2020. Collection method: clinical testing. Allele origin: germline. Inheritance: Autosomal dominant inheritance. Affected: yes. Observed: 1 variant allele.
Comment: ACMG Criteria: PVS1,PM2_SUP

Human Genetics Bochum, Ruhr University Bochum
Classification: Likely pathogenic for Brain small vessel disease 2A, autosomal dominant. Last evaluated: 2025-09-04. Review status: criteria provided, single submitter. Criteria: ACMG Guidelines, 2015. Collection method: clinical testing. Allele origin: germline. Affected: yes.
Comment: ACMG criteria used to clasify this variant: PVS1

GeneDx
Classification: Uncertain significance. Last evaluated: 2022-07-31. Review status: criteria provided, single submitter. Criteria: GeneDx Variant Classification Process June 2021. Collection method: clinical testing. Allele origin: germline. Affected: yes.
Comment: Frameshift variant predicted to result in protein truncation or nonsense mediated decay in a gene or region of a gene for which loss of function is not a well-established mechanism of disease; Has not been previously published as pathogenic or benign to our knowledge